The following is an entry in ClinVar:

NM_004304.5(ALK):c.3498G>A (p.Met1166Ile)

Gene: ALK (ALK receptor tyrosine kinase; minus strand). Cytogenetic location: 2p23.2.
Variant type: single nucleotide variant.
Coding change: c.3498G>A on transcript NM_004304.5 (MANE Select); coding-DNA position 3498, G replaced by A.
Protein change: p.Met1166Ile; replaces methionine 1166 with isoleucine.
Molecular consequence: missense variant.
Genome position (GRCh38, 1-based): chr2:29,222,361, C>T on the plus strand (G>A on the coding strand, the complement: ALK is on the minus strand). VCF-style: chr2-29222361-C-T. GRCh37 (hg19) VCF-style: chr2-29445227-C-T.
Other names: c.294G>A, p.Met98Ile (NM_001353765.2); short protein forms M1166I, M98I.
Identifiers: ClinVar variation 3223863 (VCV003223863.1), dbSNP rs1224108356, ClinGen allele CA346462993.

ClinVar aggregate classification (germline): Uncertain significance (1 of 4 stars; one submission).

Conditions:
Hereditary cancer-predisposing syndrome. Also called: Tumor predisposition; Hereditary neoplastic syndrome; Hereditary Cancer Syndrome; Neoplastic Syndromes, Hereditary. Identifiers: Orphanet 140162, MedGen C0027672, MeSH D009386, MONDO:0015356.

Allele frequency attached by ClinVar (database versions not stated): gnomAD exomes below 0.00001.

Submission:

Ambry Genetics
Classification: Uncertain significance for Hereditary cancer-predisposing syndrome. Last evaluated: 2024-03-13. Review status: criteria provided, single submitter. Criteria: Ambry Variant Classification Scheme 2023. Collection method: clinical testing. Allele origin: germline.
Comment: The p.M1166I variant (also known as c.3498G>A), located in coding exon 22 of the ALK gene, results from a G to A substitution at nucleotide position 3498. The methionine at codon 1166 is replaced by isoleucine, an amino acid with highly similar properties. This amino acid position is conserved. In addition, this alteration is predicted to be deleterious by in silico analysis. Based on the available evidence, the clinical significance of this alteration remains unclear.